The following is an entry in ClinVar:

NM_001277115.2(DNAH11):c.1886del (p.Pro629fs)

Gene: DNAH11 (dynein axonemal heavy chain 11; plus strand). Cytogenetic location: 7p15.3.
Variant type: Deletion.
Coding change: c.1886del on transcript NM_001277115.2 (MANE Select); coding-DNA position 1886, one base deleted (C; older notation c.1886delC).
Protein change: p.Pro629fs; shifts the reading frame from proline 629.
Molecular consequence: frameshift variant.
Genome position (GRCh38, 1-based): chr7:21,588,549, C deleted; the last of 2 consecutive C bases (chr7:21,588,548-21,588,549); deleting either gives the same sequence. VCF-style (leftmost placement, unchanged base first): chr7-21588547-GC-G. GRCh37 (hg19) VCF-style: chr7-21628165-GC-G.
Other names: c.1886delC, p.Pro629Hisfs (NM_003777.3); short protein forms P629fs.
Identifiers: ClinVar variation 2920025 (VCV002920025.3), dbSNP rs2534585759, ClinGen allele CA2739266262.

ClinVar aggregate classification (germline): Pathogenic (1 of 4 stars; one submission).

Conditions:
Primary ciliary dyskinesia. Also called: Ciliary dyskinesia. Identifiers: Orphanet 244, MedGen C0008780, MONDO:0016575, HP:0012265.

Submission:

Labcorp Genetics (formerly Invitae), Labcorp
Classification: Pathogenic for Primary ciliary dyskinesia. Last evaluated: 2024-03-07. Review status: criteria provided, single submitter. Criteria: Invitae Variant Classification Sherloc (09022015). Collection method: clinical testing. Allele origin: germline.
Comment: This sequence change creates a premature translational stop signal (p.Pro629Hisfs*7) in the DNAH11 gene. It is expected to result in an absent or disrupted protein product. Loss-of-function variants in DNAH11 are known to be pathogenic (PMID: 18022865, 20513915, 22184204). This variant is not present in population databases (gnomAD no frequency). This variant has not been reported in the literature in individuals affected with DNAH11-related conditions. For these reasons, this variant has been classified as Pathogenic.

Literature cited by the submitters: PubMed 18022865; PubMed 20513915; PubMed 22184204.